The following is an entry in ClinVar:

NM_025137.4(SPG11):c.3152A>C (p.Lys1051Thr)

Gene: SPG11 (SPG11 vesicle trafficking associated, spatacsin; minus strand). Cytogenetic location: 15q21.1.
Variant type: single nucleotide variant.
Coding change: c.3152A>C on transcript NM_025137.4 (MANE Select); coding-DNA position 3152, A replaced by C.
Protein change: p.Lys1051Thr; replaces lysine 1051 with threonine.
Molecular consequence: missense variant.
Genome position (GRCh38, 1-based): chr15:44,610,979, T>G on the plus strand (A>C on the coding strand, the complement: SPG11 is on the minus strand). VCF-style: chr15-44610979-T-G. GRCh37 (hg19) VCF-style: chr15-44903177-T-G.
Other names: c.3152A>C, p.Lys1051Thr (NM_001160227.2, NM_001411132.1); short protein forms K1051T.
Identifiers: ClinVar variation 1728202 (VCV001728202.2), dbSNP rs2505483050, ClinGen allele CA392227201.

ClinVar aggregate classification (germline): Uncertain significance (1 of 4 stars; one submission).

Conditions:
Inborn genetic diseases. Identifiers: MedGen C0950123, MeSH D030342.

Allele frequency attached by ClinVar (database versions not stated): gnomAD exomes below 0.00001.
gnomAD v4.1: 3 of 1,613,498 alleles (0.00019%); highest among the groups gnomAD compares: Non-Finnish European, 0.00017%; no homozygotes.

Submission:

Ambry Genetics
Classification: Uncertain significance for Inborn genetic diseases. Last evaluated: 2020-02-12. Review status: criteria provided, single submitter. Criteria: Ambry Variant Classification Scheme 2023. Collection method: clinical testing. Allele origin: germline.
Comment: The p.K1051T variant (also known as c.3152A>C), located in coding exon 18 of the SPG11 gene, results from an A to C substitution at nucleotide position 3152. The lysine at codon 1051 is replaced by threonine, an amino acid with similar properties. This amino acid position is well conserved in available vertebrate species. In addition, this alteration is predicted to be tolerated by in silico analysis. Since supporting evidence is limited at this time, the clinical significance of this alteration remains unclear.